The following is an entry in ClinVar:

NM_004360.5(CDH1):c.626G>C (p.Arg209Thr)

Gene: CDH1 (cadherin 1; plus strand). Cytogenetic location: 16q22.1.
Variant type: single nucleotide variant.
Coding change: c.626G>C on transcript NM_004360.5 (MANE Select); coding-DNA position 626, G replaced by C.
Protein change: p.Arg209Thr; replaces arginine 209 with threonine.
Molecular consequence: missense variant. On other transcripts: 5 prime UTR variant (2).
Genome position (GRCh38, 1-based): chr16:68,808,787, G>C. VCF-style: chr16-68808787-G-C. GRCh37 (hg19) VCF-style: chr16-68842690-G-C.
Other names: c.626G>C, p.Arg209Thr (NM_001317184.2); c.-990G>C (NM_001317185.2); c.-1194G>C (NM_001317186.2); short protein forms R209T.
Identifiers: ClinVar variation 3829989 (VCV003829989.1).

ClinVar aggregate classification (germline): Uncertain significance (1 of 4 stars; one submission).

Conditions:
Hereditary cancer-predisposing syndrome. Also called: Hereditary neoplastic syndrome; Neoplastic Syndromes, Hereditary; Tumor predisposition; Hereditary Cancer Syndrome. Identifiers: Orphanet 140162, MedGen C0027672, MeSH D009386, MONDO:0015356.

Submission:

Ambry Genetics
Classification: Uncertain significance for Hereditary cancer-predisposing syndrome. Last evaluated: 2025-01-24. Review status: criteria provided, single submitter. Criteria: Ambry Variant Classification Scheme 2023. Collection method: clinical testing. Allele origin: germline.
Comment: The p.R209T variant (also known as c.626G>C), located in coding exon 5 of the CDH1 gene, results from a G to C substitution at nucleotide position 626. The arginine at codon 209 is replaced by threonine, an amino acid with similar properties. This amino acid position is conserved. In addition, the in silico prediction for this alteration is inconclusive. Based on the available evidence, the clinical significance of this variant remains unclear.